The following is an entry in ClinVar:

NM_001277115.2(DNAH11):c.7136C>T (p.Thr2379Ile)

Gene: DNAH11 (dynein axonemal heavy chain 11; plus strand). Cytogenetic location: 7p15.3.
Variant type: single nucleotide variant.
Coding change: c.7136C>T on transcript NM_001277115.2 (MANE Select); coding-DNA position 7136, C replaced by T.
Protein change: p.Thr2379Ile; replaces threonine 2379 with isoleucine.
Molecular consequence: missense variant.
Genome position (GRCh38, 1-based): chr7:21,720,726, C>T. VCF-style: chr7-21720726-C-T. GRCh37 (hg19) VCF-style: chr7-21760344-C-T.
Other names: c.7157C>T, p.Thr2386Ile (NM_003777.3); short protein forms T2386I, T2379I.
Identifiers: ClinVar variation 2070307 (VCV002070307.4), dbSNP rs1187736300, ClinGen allele CA366943556.

ClinVar aggregate classification (germline): Uncertain significance (1 of 4 stars; one submission).

Conditions:
Primary ciliary dyskinesia. Also called: Ciliary dyskinesia. Identifiers: Orphanet 244, MedGen C0008780, MONDO:0016575, HP:0012265.

gnomAD v4.1: 1 of 1,564,126 alleles (0.000064%); highest among the groups gnomAD compares: Non-Finnish European, 0.000087%; no homozygotes.

Submission:

Labcorp Genetics (formerly Invitae), Labcorp
Classification: Uncertain significance for Primary ciliary dyskinesia. Last evaluated: 2023-10-13. Review status: criteria provided, single submitter. Criteria: Invitae Variant Classification Sherloc (09022015). Collection method: clinical testing. Allele origin: germline.
Comment: This sequence change replaces threonine, which is neutral and polar, with isoleucine, which is neutral and non-polar, at codon 2379 of the DNAH11 protein (p.Thr2379Ile). This variant is not present in population databases (gnomAD no frequency). This variant has not been reported in the literature in individuals affected with DNAH11-related conditions. ClinVar contains an entry for this variant (Variation ID: 2070307). An algorithm developed to predict the effect of missense changes on protein structure and function (PolyPhen-2) suggests that this variant is likely to be disruptive. In summary, the available evidence is currently insufficient to determine the role of this variant in disease. Therefore, it has been classified as a Variant of Uncertain Significance.